The following is an entry in ClinVar:

NM_000393.5(COL5A2):c.1010C>T (p.Pro337Leu)

Gene: COL5A2 (collagen type V alpha 2 chain; minus strand). Cytogenetic location: 2q32.2.
Variant type: single nucleotide variant.
Coding change: c.1010C>T on transcript NM_000393.5 (MANE Select); coding-DNA position 1010, C replaced by T.
Protein change: p.Pro337Leu; replaces proline 337 with leucine.
Molecular consequence: missense variant.
Genome position (GRCh38, 1-based): chr2:189,078,565, G>A on the plus strand (C>T on the coding strand, the complement: COL5A2 is on the minus strand). VCF-style: chr2-189078565-G-A. GRCh37 (hg19) VCF-style: chr2-189943291-G-A.
Other names: short protein forms P337L.
Identifiers: ClinVar variation 408288 (VCV000408288.11), dbSNP rs766349082, ClinGen allele CA2022851.

ClinVar aggregate classification (germline): Uncertain significance. Review status: criteria provided, multiple submitters, no conflicts (2 of 4 stars). 3 submissions from 3 submitters: Uncertain significance (3). Last evaluated 2026-03-23.

Conditions:
Familial thoracic aortic aneurysm and aortic dissection (TAAD). Also called: Thoracic aortic aneurysms and dissections. Identifiers: Orphanet 91387, MedGen C4707243, MONDO:0019625.
Ehlers-Danlos syndrome, classic type, 1 (EDSCL1). Also called: Ehlers-Danlos syndrome, type 1; EHLERS-DANLOS SYNDROME, GRAVIS TYPE; EHLERS-DANLOS SYNDROME, SEVERE CLASSIC TYPE; Ehlers-Danlos Syndrome, Classic Type, COL5A1-Related; EDS I. Identifiers: MedGen C0268335, MONDO:0019567, OMIM 130000.

Allele frequency attached by ClinVar (database versions not stated): TOPMed 0.00001; gnomAD exomes 0.00001; ExAC 0.00001.
gnomAD v4.1: 21 of 1,612,188 alleles (0.0013%); highest among the groups gnomAD compares: Admixed American, 0.0033%; no homozygotes.

Submissions (3):

GeneDx
Classification: Uncertain significance. Last evaluated: 2026-03-23. Review status: criteria provided, single submitter. Criteria: GeneDx Variant Classification Process June 2021. Collection method: clinical testing. Allele origin: germline.
Comment: Not observed at significant frequency in large population cohorts (gnomAD); In silico analysis supports that this missense variant has a deleterious effect on protein structure/function; Has not been previously published as pathogenic or benign to our knowledge; This variant is associated with the following publications: (PMID: 22696272)

Ambry Genetics
Classification: Uncertain significance for Familial thoracic aortic aneurysm and aortic dissection. Last evaluated: 2024-06-13. Review status: criteria provided, single submitter. Criteria: Ambry Variant Classification Scheme 2023. Collection method: clinical testing. Allele origin: germline.
Comment: The p.P337L variant (also known as c.1010C>T), located in coding exon 16 of the COL5A2 gene, results from a C to T substitution at nucleotide position 1010. The proline at codon 337 is replaced by leucine, an amino acid with similar properties. This amino acid position is highly conserved in available vertebrate species. In addition, the in silico prediction for this alteration is inconclusive. Based on the available evidence, the clinical significance of this variant remains unclear.

Labcorp Genetics (formerly Invitae), Labcorp
Classification: Uncertain significance for Ehlers-Danlos syndrome, classic type, 1. Last evaluated: 2023-08-16. Review status: criteria provided, single submitter. Criteria: Invitae Variant Classification Sherloc (09022015). Collection method: clinical testing. Allele origin: germline.
Comment: In summary, the available evidence is currently insufficient to determine the role of this variant in disease. Therefore, it has been classified as a Variant of Uncertain Significance. Advanced modeling of protein sequence and biophysical properties (such as structural, functional, and spatial information, amino acid conservation, physicochemical variation, residue mobility, and thermodynamic stability) performed at Invitae indicates that this missense variant is not expected to disrupt COL5A2 protein function. ClinVar contains an entry for this variant (Variation ID: 408288). This variant has not been reported in the literature in individuals affected with COL5A2-related conditions. This variant is present in population databases (rs766349082, gnomAD 0.002%). This sequence change replaces proline, which is neutral and non-polar, with leucine, which is neutral and non-polar, at codon 337 of the COL5A2 protein (p.Pro337Leu).